The following is an entry in ClinVar:

ClinVar aggregate classification (germline): Uncertain significance (1 of 4 stars; one submission).

Allele frequency attached by ClinVar (database versions not stated): ExAC 0.00002; TOPMed 0.00004; gnomAD 0.00003; gnomAD exomes 0.00002.
gnomAD v4.1: 31 of 1,614,012 alleles (0.0019%); highest among the groups gnomAD compares: African/African-American, 0.004%; no homozygotes.

Submission:

Labcorp Genetics (formerly Invitae), Labcorp
Classification: Uncertain significance. Last evaluated: 2025-08-09. Review status: criteria provided, single submitter. Criteria: Invitae Variant Classification Sherloc (09022015). Collection method: clinical testing. Allele origin: germline.
Comment: This sequence change replaces arginine, which is basic and polar, with glutamine, which is neutral and polar, at codon 1312 of the NLRP1 protein (p.Arg1312Gln). This variant is present in population databases (rs765377790, gnomAD 0.003%). This variant has not been reported in the literature in individuals affected with NLRP1-related conditions. ClinVar contains an entry for this variant (Variation ID: 3022864). An algorithm developed to predict the effect of missense changes on protein structure and function outputs the following: PolyPhen-2: "Probably Damaging". The glutamine amino acid residue is found in multiple mammalian species, which suggests that this missense change does not adversely affect protein function. In summary, the available evidence is currently insufficient to determine the role of this variant in disease. Therefore, it has been classified as a Variant of Uncertain Significance.

NM_033004.4(NLRP1):c.3935G>A (p.Arg1312Gln)

Gene: NLRP1 (NLR family pyrin domain containing 1; minus strand). Cytogenetic location: 17p13.2.
Variant type: single nucleotide variant.
Coding change: c.3935G>A on transcript NM_033004.4 (MANE Select); coding-DNA position 3935, G replaced by A.
Protein change: p.Arg1312Gln; replaces arginine 1312 with glutamine.
Molecular consequence: missense variant.
Genome position (GRCh38, 1-based): chr17:5,517,868, C>T on the plus strand (G>A on the coding strand, the complement: NLRP1 is on the minus strand). VCF-style: chr17-5517868-C-T. GRCh37 (hg19) VCF-style: chr17-5421188-C-T.
Other names: c.3947G>A, p.Arg1316Gln (NM_001033053.3); c.3803G>A, p.Arg1268Gln (NM_014922.5); c.3845G>A, p.Arg1282Gln (NM_033006.4); c.3713G>A, p.Arg1238Gln (NM_033007.4); short protein forms R1268Q, R1282Q, R1312Q, R1316Q, R1238Q.
Identifiers: ClinVar variation 3022864 (VCV003022864.3), dbSNP rs765377790, ClinGen allele CA8326694.